The following is an entry in ClinVar:

NM_000090.4(COL3A1):c.2446-3T>C

Gene: COL3A1 (collagen type III alpha 1 chain; plus strand). Cytogenetic location: 2q32.2.
Variant type: single nucleotide variant.
Coding change: c.2446-3T>C on transcript NM_000090.4 (MANE Select); 3 bases into the intron before coding-DNA position 2446, T replaced by C.
Molecular consequence: intron variant.
Genome position (GRCh38, 1-based): chr2:189,002,952, T>C. VCF-style: chr2-189002952-T-C. GRCh37 (hg19) VCF-style: chr2-189867678-T-C.
Other names: c.2446-3T>C (NM_000090.3).
Identifiers: ClinVar variation 3070585 (VCV003070585.3), dbSNP rs1325362291, ClinGen allele CA762202964.

ClinVar aggregate classification (germline): Conflicting classifications of pathogenicity. Review status: criteria provided, conflicting classifications (1 of 4 stars). 3 submissions from 3 submitters: Uncertain significance (1); Likely benign (2). Last evaluated 2026-02-20.

Conditions:
Familial thoracic aortic aneurysm and aortic dissection (TAAD). Also called: Thoracic aortic aneurysms and dissections. Identifiers: Orphanet 91387, MedGen C4707243, MONDO:0019625.
Ehlers-Danlos syndrome, type 4 (EDSVASC). Also called: Ehlers-Danlos Syndrome Type IV; Ehlers-Danlos syndrome vascular type; Ehlers Danlos syndrome, ecchymotic type; Ehlers Danlos syndrome, arterial type; Ehlers Danlos syndrome, Sack-Barabas type. Identifiers: Orphanet 286, MedGen C0268338, MONDO:0017314, OMIM 130050.

Allele frequency attached by ClinVar (database versions not stated): gnomAD 0.00001; gnomAD exomes 0.00001; TOPMed 0.00001.
gnomAD v4.1: 22 of 1,548,758 alleles (0.0014%); highest among the groups gnomAD compares: Non-Finnish European, 0.0018%; no homozygotes.

Submissions (3):

Ambry Genetics
Classification: Uncertain significance for Familial thoracic aortic aneurysm and aortic dissection. Last evaluated: 2026-02-20. Review status: criteria provided, single submitter. Criteria: Ambry Variant Classification Scheme 2023. Collection method: clinical testing. Allele origin: germline.
Comment: The c.2446-3T>C intronic variant results from a T to C substitution 3 nucleotides upstream from coding exon 36 in the COL3A1 gene. This nucleotide position is poorly conserved in available vertebrate species. In silico splice site analysis predicts that this alteration will not have any significant effect on splicing. Based on the available evidence, the clinical significance of this variant remains unclear.

All of Us Research Program, National Institutes of Health
Classification: Likely benign for Ehlers-Danlos syndrome, type 4. Last evaluated: 2023-12-18. Review status: criteria provided, single submitter. Criteria: ACMG Guidelines, 2015. Collection method: clinical testing. Allele origin: germline. Inheritance: Autosomal dominant inheritance. Observed: 3 variant alleles, 3 heterozygotes.
Comment: This study involves interpretation of variants in research participants for the purpose of population health screening. Participant phenotype was not available at the time of variant classification. Additional details can be found in publication PMID: 35346344, PMCID: PMC8962531

Color Diagnostics, LLC DBA Color Health
Classification: Likely benign for Familial thoracic aortic aneurysm and aortic dissection. Last evaluated: 2023-04-19. Review status: criteria provided, single submitter. Criteria: ACMG Guidelines, 2015. Collection method: clinical testing. Allele origin: germline.